The following is an entry in ClinVar:

NM_003489.4(NRIP1):c.155A>G (p.Asn52Ser)

Gene: NRIP1 (nuclear receptor interacting protein 1; minus strand). Cytogenetic location: 21q11.2.
Variant type: single nucleotide variant.
Coding change: c.155A>G on transcript NM_003489.4 (MANE Select); coding-DNA position 155, A replaced by G.
Protein change: p.Asn52Ser; replaces asparagine 52 with serine.
Molecular consequence: missense variant.
Genome position (GRCh38, 1-based): chr21:14,968,038, T>C on the plus strand (A>G on the coding strand, the complement: NRIP1 is on the minus strand). VCF-style: chr21-14968038-T-C. GRCh37 (hg19) VCF-style: chr21-16340359-T-C.
Other names: c.155A>G, p.Asn52Ser (NM_001439275.1, NM_001439276.1, NM_001439277.1 and 10 more transcripts); short protein forms N52S.
Identifiers: ClinVar variation 4690332 (VCV004690332.1).
Genomic context (GRCh38, chr21:14,968,038, plus strand): 5'-GTATGTGTATTGAGAACTGGACCATTACTTTGACAGGTGGGAAATGCACTGCCAGAAATG[T>C]TAAAGTTCTGATCCTCTTCATTATGCCCAGCAGACTTTTTGTCAACGGCAGTACCTGATC-3'
Protein context (NP_003480.2, residues 42-62): AGHNEEDQNF[Asn52Ser]ISGSAFPTCQ

ClinVar aggregate classification (germline): Uncertain significance (1 of 4 stars; one submission).

gnomAD v4.1: 22 of 1,613,956 alleles (0.0014%); highest among the groups gnomAD compares: East Asian, 0.027%; 2 homozygotes.

Submission:

Labcorp Genetics (formerly Invitae), Labcorp
Classification: Uncertain significance. Last evaluated: 2025-03-19. Review status: criteria provided, single submitter. Criteria: Invitae Variant Classification Sherloc (09022015). Collection method: clinical testing. Allele origin: germline.
Comment: This sequence change replaces asparagine, which is neutral and polar, with serine, which is neutral and polar, at codon 52 of the NRIP1 protein (p.Asn52Ser). This variant is present in population databases (rs745981548, gnomAD 0.06%). This variant has not been reported in the literature in individuals affected with NRIP1-related conditions. An algorithm developed to predict the effect of missense changes on protein structure and function (PolyPhen-2) suggests that this variant is likely to be tolerated. In summary, the available evidence is currently insufficient to determine the role of this variant in disease. Therefore, it has been classified as a Variant of Uncertain Significance.